The following is an entry in ClinVar:

ClinVar aggregate classification (germline): Uncertain significance (1 of 4 stars; one submission).

Allele frequency attached by ClinVar (database versions not stated): TOPMed 0.00001; gnomAD 0.00002; ExAC 0.00001.
gnomAD v4.1: 21 of 1,613,420 alleles (0.0013%); highest among the groups gnomAD compares: Non-Finnish European, 0.0017%; no homozygotes.

Submission:

Labcorp Genetics (formerly Invitae), Labcorp
Classification: Uncertain significance. Last evaluated: 2025-09-10. Review status: criteria provided, single submitter. Criteria: Invitae Variant Classification Sherloc (09022015). Collection method: clinical testing. Allele origin: germline.
Comment: This sequence change falls in intron 30 of the USP7 gene. It does not directly change the encoded amino acid sequence of the USP7 protein. This variant is present in population databases (rs756155090, gnomAD 0.002%). This variant has not been reported in the literature in individuals affected with USP7-related conditions. ClinVar contains an entry for this variant (Variation ID: 2873068). Algorithms developed to predict the effect of sequence changes on RNA splicing suggest that this variant may disrupt the consensus splice site. In summary, the available evidence is currently insufficient to determine the role of this variant in disease. Therefore, it has been classified as a Variant of Uncertain Significance.

NM_003470.3(USP7):c.3203-9C>A

Gene: USP7 (ubiquitin specific peptidase 7; minus strand). Cytogenetic location: 16p13.2.
Variant type: single nucleotide variant.
Coding change: c.3203-9C>A on transcript NM_003470.3 (MANE Select); 9 bases into the intron before coding-DNA position 3203, C replaced by A.
Molecular consequence: intron variant.
Genome position (GRCh38, 1-based): chr16:8,894,113, G>T on the plus strand (C>A on the coding strand, the complement: USP7 is on the minus strand). VCF-style: chr16-8894113-G-T. GRCh37 (hg19) VCF-style: chr16-8987970-G-T.
Other names: c.3029-9C>A (NM_001321858.2); c.3155-9C>A (NM_001286457.2); c.2906-9C>A (NM_001286458.2).
Identifiers: ClinVar variation 2873068 (VCV002873068.3), dbSNP rs756155090, ClinGen allele CA7894660.
Genomic context (GRCh38, chr16:8,894,113, plus strand): 5'-GCTTTGTTGAAGTGGTCGAGCCCTAGCCAAGGCCGAGGATGAGACATATTACCTGGTGGG[G>T]ATGAAGAAAAGCAAGTGAGGCCACAGAGCAGCCCTGGAACCCCTCAGCGGGGTGGTGGCC-3'